The following is an entry in ClinVar:

NM_000191.3(HMGCL):c.769del (p.Asp257fs)

Gene: HMGCL (3-hydroxy-3-methylglutaryl-CoA lyase; minus strand). Cytogenetic location: 1p36.11.
Variant type: Deletion.
Coding change: c.769del on transcript NM_000191.3 (MANE Select); coding-DNA position 769, one base deleted (G; older notation c.769delG).
Protein change: p.Asp257fs; shifts the reading frame from aspartic acid 257.
Molecular consequence: frameshift variant.
Genome position (GRCh38, 1-based): chr1:23,804,507, C deleted on the plus strand (G on the coding strand, the reverse complement: HMGCL is on the minus strand); the first of 2 consecutive C bases (chr1:23,804,507-23,804,508); deleting either gives the same sequence. VCF-style (leftmost placement, unchanged base first): chr1-23804506-TC-T. GRCh37 (hg19) VCF-style: chr1-24130996-TC-T.
Other names: c.556del, p.Asp186fs (NM_001166059.2); short protein forms D186fs, D257fs.
Identifiers: ClinVar variation 1324535 (VCV001324535.6), dbSNP rs2148417048, ClinGen allele CA2573051538.

ClinVar aggregate classification (germline): Pathogenic (1 of 4 stars; one submission).

Conditions:
Deficiency of hydroxymethylglutaryl-CoA lyase (HMGCLD). Also called: HMGCL DEFICIENCY; HYDROXYMETHYLGLUTARIC ACIDURIA; Defect in leucine metabolism; 3-hydroxy-3-methylglutaric aciduria; HMG-CoA LYASE DEFICIENCY. Identifiers: Orphanet 20, MedGen C1533587, MONDO:0009520, OMIM 246450.

Submission:

Labcorp Genetics (formerly Invitae), Labcorp
Classification: Pathogenic for Deficiency of hydroxymethylglutaryl-CoA lyase. Last evaluated: 2022-08-08. Review status: criteria provided, single submitter. Criteria: Invitae Variant Classification Sherloc (09022015). Collection method: clinical testing. Allele origin: germline.
Comment: This variant has not been reported in the literature in individuals affected with HMGCL-related conditions. ClinVar contains an entry for this variant (Variation ID: 1324535). This variant is not present in population databases (gnomAD no frequency). For these reasons, this variant has been classified as Pathogenic. This variant disrupts a region of the HMGCL protein in which other variant(s) (p.Phe305Tyrfs*10) have been determined to be pathogenic (PMID: 2443756, 6085636, 9463337). This suggests that this is a clinically significant region of the protein, and that variants that disrupt it are likely to be disease-causing. This sequence change creates a premature translational stop signal (p.Asp257Thrfs*29) in the HMGCL gene. While this is not anticipated to result in nonsense mediated decay, it is expected to disrupt the last 69 amino acid(s) of the HMGCL protein.

Literature cited by the submitters: PubMed 2443756; PubMed 6085636; PubMed 9463337.